The following is an entry in ClinVar:

ClinVar aggregate classification (germline): Conflicting classifications of pathogenicity. Review status: criteria provided, conflicting classifications (1 of 4 stars). 3 submissions from 3 submitters: Uncertain significance (1); Likely benign (2). Last evaluated 2022-10-17.

Conditions:
Hereditary cancer-predisposing syndrome. Also called: Tumor predisposition; Neoplastic Syndromes, Hereditary; Hereditary Cancer Syndrome; Hereditary neoplastic syndrome. Identifiers: Orphanet 140162, MedGen C0027672, MeSH D009386, MONDO:0015356.
Ataxia-telangiectasia syndrome (AT). Also called: Ataxia-telangiectasia; Ataxia-telangiectasia, complementation group D; AT, COMPLEMENTATION GROUP C; LOUIS-BAR SYNDROME; Cerebello-oculocutaneous telangiectasia; Immunodeficiency with ataxia telangiectasia. Identifiers: Orphanet 100, MedGen C0004135, MONDO:0008840, OMIM 208900.

Submissions (3):

Labcorp Genetics (formerly Invitae), Labcorp
Classification: Likely benign for Ataxia-telangiectasia syndrome. Last evaluated: 2022-10-17. Review status: criteria provided, single submitter. Criteria: Invitae Variant Classification Sherloc (09022015). Collection method: clinical testing. Allele origin: germline.

Color Diagnostics, LLC DBA Color Health
Classification: Likely benign for Hereditary cancer-predisposing syndrome. Last evaluated: 2017-06-15. Review status: criteria provided, single submitter. Criteria: ACMG Guidelines, 2015. Collection method: clinical testing. Allele origin: germline.

Ambry Genetics
Classification: Uncertain significance for Hereditary cancer-predisposing syndrome. Last evaluated: 2014-11-14. Review status: criteria provided, single submitter. Criteria: Ambry Variant Classification Scheme 2023. Collection method: clinical testing. Allele origin: germline.
Comment: The c.1607+20T>C intronic alteration consists of a T to C substitution 0 nucleotides after coding exon 9 in the ATM gene. Based on insufficient or conflicting evidence, the clinical significance of this alteration remains unclear.

NM_000051.4(ATM):c.1607+20T>C

Gene: ATM (ATM serine/threonine kinase; plus strand). Cytogenetic location: 11q22.3.
Variant type: single nucleotide variant.
Coding change: c.1607+20T>C on transcript NM_000051.4 (MANE Select); 20 bases into the intron after coding-DNA position 1607, T replaced by C.
Molecular consequence: intron variant.
Genome position (GRCh38, 1-based): chr11:108,251,092, T>C. VCF-style: chr11-108251092-T-C. GRCh37 (hg19) VCF-style: chr11-108121819-T-C.
Other names: c.1607+20T>C (NM_001351834.2).
Identifiers: ClinVar variation 490428 (VCV000490428.12), dbSNP rs1555071308, ClinGen allele CA658683711.